The following is an entry in ClinVar:

NM_000540.3(RYR1):c.3513C>G (p.Asp1171Glu)

Gene: RYR1 (ryanodine receptor 1; plus strand). Cytogenetic location: 19q13.2.
Variant type: single nucleotide variant.
Coding change: c.3513C>G on transcript NM_000540.3 (MANE Select); coding-DNA position 3513, C replaced by G.
Protein change: p.Asp1171Glu; replaces aspartic acid 1171 with glutamic acid.
Molecular consequence: missense variant.
Genome position (GRCh38, 1-based): chr19:38,469,097, C>G. VCF-style: chr19-38469097-C-G. GRCh37 (hg19) VCF-style: chr19-38959737-C-G.
Other names: c.3513C>G, p.Asp1171Glu (NM_001042723.2); short protein forms D1171E.
Identifiers: ClinVar variation 937797 (VCV000937797.8), dbSNP rs1968278014, ClinGen allele CA405638759.
Genomic context (GRCh38, chr19:38,469,097, plus strand): 5'-GATCGACCTCACAGAGAACACCATTATCTTCACCCTCAATGGCGAGGTCCTCATGTCTGA[C>G]TCAGGCTCCGAAACAGCCTTCCGGGAGATTGAGATTGGGGACGGTGAGGGCTGAGACCCC-3'
Protein context (NP_000531.2, residues 1161-1181): FTLNGEVLMS[Asp1171Glu]SGSETAFREI

ClinVar aggregate classification (germline): Uncertain significance. Review status: criteria provided, multiple submitters, no conflicts (2 of 4 stars). 2 submissions from 2 submitters: Uncertain significance (2). Last evaluated 2025-02-18.

Conditions:
RYR1-related disorder. Also called: RYR1-related disorders; RYR1-related condition. Identifiers: MedGen CN239331.
Malignant hyperthermia, susceptibility to, 1 (MHS1). Also called: RYR1-Related Malignant Hyperthermia Susceptibility; Anesthesia related hyperthermia; Malignant hyperpyrexia; Fulminating hyperpyrexia; Pharmacogenic myopathy; Malignant hyperthermia suceptibility 1. Identifiers: Orphanet 423, MedGen C2930980, MONDO:0007783, OMIM 145600.

Submissions (2):

Labcorp Genetics (formerly Invitae), Labcorp
Classification: Uncertain significance for RYR1-related disorder. Last evaluated: 2025-02-18. Review status: criteria provided, single submitter. Criteria: Invitae Variant Classification Sherloc (09022015). Collection method: clinical testing. Allele origin: germline.
Comment: This sequence change replaces aspartic acid, which is acidic and polar, with glutamic acid, which is acidic and polar, at codon 1171 of the RYR1 protein (p.Asp1171Glu). This variant is not present in population databases (gnomAD no frequency). This variant has not been reported in the literature in individuals affected with RYR1-related conditions. ClinVar contains an entry for this variant (Variation ID: 937797). Invitae Evidence Modeling of protein sequence and biophysical properties (such as structural, functional, and spatial information, amino acid conservation, physicochemical variation, residue mobility, and thermodynamic stability) has been performed for this missense variant. However, the output from this modeling did not meet the statistical confidence thresholds required to predict the impact of this variant on RYR1 protein function. In summary, the available evidence is currently insufficient to determine the role of this variant in disease. Therefore, it has been classified as a Variant of Uncertain Significance.

All of Us Research Program, National Institutes of Health
Classification: Uncertain significance for Malignant hyperthermia, susceptibility to, 1. Last evaluated: 2023-05-16. Review status: criteria provided, single submitter. Criteria: ACMG Guidelines, 2015. Collection method: clinical testing. Allele origin: germline. Inheritance: Autosomal dominant inheritance. Observed: 1 variant allele, 1 heterozygote.
Comment: This missense variant replaces aspartic acid with glutamic acid at codon 1171 of the RYR1 protein. Computational prediction suggests that this variant may not impact protein structure and function (internally defined REVEL score threshold <= 0.5, PMID: 27666373). To our knowledge, functional studies have not been reported for this variant. This variant has not been reported in individuals affected with RYR1-related disorders in the literature. This variant has not been identified in the general population by the Genome Aggregation Database (gnomAD). The available evidence is insufficient to determine the role of this variant in disease conclusively. Therefore, this variant is classified as a Variant of Uncertain Significance.

This study involves interpretation of variants in research participants for the purpose of population health screening. Participant phenotype was not available at the time of variant classification. Additional details can be found in publication PMID: 35346344, PMCID: PMC8962531